The following is an entry in ClinVar:

ClinVar aggregate classification (germline): Uncertain significance. Review status: criteria provided, multiple submitters, no conflicts (2 of 4 stars). 2 submissions from 2 submitters: Uncertain significance (2). Last evaluated 2023-08-07.

Conditions:
Familial hemiplegic migraine. Identifiers: MedGen C0338484, MONDO:0000700.

gnomAD v4.1: 1 of 1,614,150 alleles (0.000062%); no homozygotes.

Submissions (2):

Labcorp Genetics (formerly Invitae), Labcorp
Classification: Uncertain significance for Familial hemiplegic migraine. Last evaluated: 2023-08-07. Review status: criteria provided, single submitter. Criteria: Invitae Variant Classification Sherloc (09022015). Collection method: clinical testing. Allele origin: germline.
Comment: This sequence change replaces isoleucine, which is neutral and non-polar, with valine, which is neutral and non-polar, at codon 107 of the ATP1A2 protein (p.Ile107Val). This variant is not present in population databases (gnomAD no frequency). This variant has not been reported in the literature in individuals affected with ATP1A2-related conditions. ClinVar contains an entry for this variant (Variation ID: 1683264). Advanced modeling of protein sequence and biophysical properties (such as structural, functional, and spatial information, amino acid conservation, physicochemical variation, residue mobility, and thermodynamic stability) performed at Invitae indicates that this missense variant is not expected to disrupt ATP1A2 protein function. In summary, the available evidence is currently insufficient to determine the role of this variant in disease. Therefore, it has been classified as a Variant of Uncertain Significance.

Women's Health and Genetics/Laboratory Corporation of America, LabCorp
Classification: Uncertain significance. Last evaluated: 2022-04-22. Review status: criteria provided, single submitter. Criteria: LabCorp Variant Classification Summary - May 2015. Collection method: clinical testing. Allele origin: germline.
Comment: Variant summary: ATP1A2 c.319A>G (p.Ile107Val) results in a conservative amino acid change located in the Cation-transporting P-type ATPase, N-terminal domain (IPR004014) of the encoded protein sequence. Four of five in-silico tools predict a benign effect of the variant on protein function. The variant was absent in 251484 control chromosomes. The available data on variant occurrences in the general population are insufficient to allow any conclusion about variant significance. To our knowledge, no occurrence of c.319A>G in individuals affected with Alternating Hemiplegia Of Childhood 1 and no experimental evidence demonstrating its impact on protein function have been reported. No clinical diagnostic laboratories have submitted clinical-significance assessments for this variant to ClinVar after 2014. Based on the evidence outlined above, the variant was classified as uncertain significance.

NM_000702.4(ATP1A2):c.319A>G (p.Ile107Val)

Gene: ATP1A2 (ATPase Na+/K+ transporting subunit alpha 2; plus strand). Cytogenetic location: 1q23.2.
Variant type: single nucleotide variant.
Coding change: c.319A>G on transcript NM_000702.4 (MANE Select); coding-DNA position 319, A replaced by G.
Protein change: p.Ile107Val; replaces isoleucine 107 with valine.
Molecular consequence: missense variant.
Genome position (GRCh38, 1-based): chr1:160,123,354, A>G. VCF-style: chr1-160123354-A-G. GRCh37 (hg19) VCF-style: chr1-160093144-A-G.
Other names: short protein forms I107V.
Identifiers: ClinVar variation 1683264 (VCV001683264.4), dbSNP rs2101985456, ClinGen allele CA343231578.